The following is an entry in ClinVar:

ClinVar aggregate classification (germline): Uncertain significance (1 of 4 stars; one submission).

Submission:

CeGaT Center for Human Genetics Tuebingen
Classification: Uncertain significance. Last evaluated: 2025-11-01. Review status: criteria provided, single submitter. Criteria: CeGaT Center For Human Genetics Tuebingen Variant Classification Criteria Version 2. Collection method: clinical testing. Allele origin: germline. Affected: yes. Observed: 1 variant allele.
Comment: COPA: PM2, PP2

NM_004371.4(COPA):c.377C>A (p.Thr126Asn)

Gene: COPA (coat protein complex I subunit alpha; minus strand). Cytogenetic location: 1q23.2.
Variant type: single nucleotide variant.
Coding change: c.377C>A on transcript NM_004371.4 (MANE Select); coding-DNA position 377, C replaced by A.
Protein change: p.Thr126Asn; replaces threonine 126 with asparagine.
Molecular consequence: missense variant.
Genome position (GRCh38, 1-based): chr1:160,333,612, G>T on the plus strand (C>A on the coding strand, the complement: COPA is on the minus strand). VCF-style: chr1-160333612-G-T. GRCh37 (hg19) VCF-style: chr1-160303402-G-T.
Other names: c.377C>A, p.Thr126Asn (NM_001098398.2); short protein forms T126N.
Identifiers: ClinVar variation 4535360 (VCV004535360.6).